The following is an entry in ClinVar:

ClinVar aggregate classification (germline): Uncertain significance (1 of 4 stars; one submission).

Conditions:
Cardiovascular phenotype. Identifiers: MedGen CN230736.
Hereditary cancer-predisposing syndrome. Also called: Hereditary neoplastic syndrome; Neoplastic Syndromes, Hereditary; Tumor predisposition; Hereditary Cancer Syndrome. Identifiers: Orphanet 140162, MedGen C0027672, MeSH D009386, MONDO:0015356.

Submission:

Ambry Genetics
Classification: Uncertain significance for Cardiovascular phenotype; Hereditary cancer-predisposing syndrome. Last evaluated: 2025-07-24. Review status: criteria provided, single submitter. Criteria: Ambry Variant Classification Scheme 2023. Collection method: clinical testing. Allele origin: germline.
Comment: The p.S1468C variant (also known as c.4402A>T), located in coding exon 33 of the NF1 gene, results from an A to T substitution at nucleotide position 4402. The serine at codon 1468 is replaced by cysteine, an amino acid with dissimilar properties. This amino acid position is highly conserved in available vertebrate species. In addition, this alteration is predicted to be deleterious by in silico analysis. Based on the available evidence, the clinical significance of this variant remains unclear.

NM_001042492.3(NF1):c.4465A>T (p.Ser1489Cys)

Gene: NF1 (neurofibromin 1; plus strand). Cytogenetic location: 17q11.2.
Variant type: single nucleotide variant.
Coding change: c.4465A>T on transcript NM_001042492.3 (MANE Select); coding-DNA position 4465, A replaced by T.
Protein change: p.Ser1489Cys; replaces serine 1489 with cysteine.
Molecular consequence: missense variant.
Genome position (GRCh38, 1-based): chr17:31,260,403, A>T. VCF-style: chr17-31260403-A-T. GRCh37 (hg19) VCF-style: chr17-29587421-A-T.
Other names: c.4402A>T, p.Ser1468Cys (NM_000267.4); short protein forms S1489C, S1468C.
Identifiers: ClinVar variation 4119092 (VCV004119092.1).